The following is an entry in ClinVar:

ClinVar aggregate classification (germline): Pathogenic. Review status: criteria provided, multiple submitters, no conflicts (2 of 4 stars). 9 submissions from 9 submitters: Pathogenic (7). 2 of the submissions do not count toward it. Last evaluated 2025-12-22.

Conditions:
Citrullinemia. Identifiers: Orphanet 187, MedGen C0175683, MONDO:0015991.
Citrullinemia type I (CTNL1). Also called: argininosuccinate synthetase deficiency; ASS DEFICIENCY. Identifiers: Orphanet 247525, MedGen C4721769, MONDO:0008988, OMIM 215700.

Allele frequency attached by ClinVar (database versions not stated): gnomAD 0.00001 and 0.00002; TOPMed 0.00001; ExAC 0.00004; gnomAD exomes 0.00003.

Submissions (9):

Labcorp Genetics (formerly Invitae), Labcorp
Classification: Pathogenic for Citrullinemia. Last evaluated: 2025-12-22. Review status: criteria provided, single submitter. Criteria: Invitae Variant Classification Sherloc (09022015). Collection method: clinical testing. Allele origin: germline.
Comment: This sequence change replaces arginine, which is basic and polar, with tryptophan, which is neutral and slightly polar, at codon 304 of the ASS1 protein (p.Arg304Trp). This variant is present in population databases (rs121908642, gnomAD 0.009%). This missense change has been observed in individual(s) with citrullinemia (PMID: 7977368, 12815590, 23246278, 28302489). ClinVar contains an entry for this variant (Variation ID: 6330). Invitae Evidence Modeling of protein sequence and biophysical properties (such as structural, functional, and spatial information, amino acid conservation, physicochemical variation, residue mobility, and thermodynamic stability) indicates that this missense variant is expected to disrupt ASS1 protein function with a positive predictive value of 80%. Experimental studies have shown that this missense change affects ASS1 function (PMID: 8792870). For these reasons, this variant has been classified as Pathogenic.

Institute of Human Genetics, University of Leipzig Medical Center
Classification: Pathogenic for Citrullinemia type I. Last evaluated: 2025-04-22. Review status: criteria provided, single submitter. Criteria: ACMG Guidelines, 2015. Collection method: clinical testing. Allele origin: inherited. Inheritance: Autosomal recessive inheritance. Affected: yes.
Comment: Criteria applied: PS3,PM3_STR,PM1_SUP,PM2_SUP,PM5_SUP,PP4

Natera, Inc.
Classification: Pathogenic for Citrullinemia type I. Last evaluated: 2025-03-03. Review status: criteria provided, single submitter. Criteria: Natera Variant Classification Schema (03/2026). Collection method: clinical testing. Allele origin: germline.
Comment: The c.910C>T variant in ASS1 is a missense variant predicted to cause substitution of arginine to tryptophan at amino acid 304. This variant is rare in the general population with a frequency below the threshold expected for the associated phenotype(s). This variant has been observed in one or more individuals affected with the associated recessive disease, as either homozygous or compound heterozygous with a second variant (PMID: 23246278, 12815590, 37485339, 7557970). Computational prediction algorithms indicate this variant is likely to affect gene or protein function. Given the available evidence, this variant is classified as Pathogenic.

Fulgent Genetics
Classification: Pathogenic for Citrullinemia type I. Last evaluated: 2024-03-08. Review status: criteria provided, single submitter. Criteria: ACMG Guidelines, 2015. Collection method: clinical testing. Allele origin: germline.

Women's Health and Genetics/Laboratory Corporation of America, LabCorp
Classification: Pathogenic for Citrullinuria. Last evaluated: 2020-03-12. Review status: criteria provided, single submitter. Criteria: LabCorp Variant Classification Summary - May 2015. Collection method: clinical testing. Allele origin: germline.
Comment: Variant summary: ASS1 c.910C>T (p.Arg304Trp) results in a non-conservative amino acid change in the encoded protein sequence and it is predicted to involve in dimer-dimer interaction (Gao_2003). Four of five in-silico tools predict a damaging effect of the variant on protein function. The variant allele was found at a frequency of 3.2e-05 in 251460 control chromosomes (gnomAD). c.910C>T has been reported in the literature in multiple individuals affected with Citrullinemia Type I (Kobayashi_1995, Gao_2003). These data indicate that the variant is very likely to be associated with disease. At least one publication reports this variant results in significantly decreasing normal activity (Gao_2003). One ClinVar submitter (evaluation after 2014) cites the variant as pathogenic. Based on the evidence outlined above, the variant was classified as pathogenic.

Eurofins Ntd Llc (ga)
Classification: Pathogenic. Last evaluated: 2014-07-14. Review status: criteria provided, single submitter. Criteria: EGL Classification Definitions 2015. Collection method: clinical testing. Allele origin: germline.

Rady Children's Institute for Genomic Medicine, Rady Children's Hospital San Diego
Classification: Pathogenic for Citrullinemia. Review status: criteria provided, single submitter. Criteria: ACMG Guidelines, 2015. Collection method: clinical testing. Allele origin: germline. Affected: yes.
Comment: This variant has been previously reported as a compound heterozygous change in patients with Citrullinemia (PMID: 7977368, 12815590, 23246278, 28302489). Functional studies have shown that this missense variant affects normal function of ASS1 (PMID: 8792870). The c.910C>T (p.Arg304Trp) variant is present in the heterozygous state in the gnomAD population database at a frequency of 0.003% (9/282796) and thus is presumed to be rare. The c.910C>T (p.Arg304Trp) variant affects a weakly conserved amino acid and in silico tools predict a discordant effect on protein function. Based on the available evidence, the c.910C>T (p.Arg304Trp) variant is classified as Pathogenic.

OMIM
Classification: Pathogenic for CITRULLINEMIA, CLASSIC. Last evaluated: 1990-07-05. Review status: no assertion criteria provided. Collection method: literature only. Allele origin: germline. Not counted in ClinVar's aggregate classification.

GeneReviews
No classification provided. Condition: Citrullinemia type I. Review status: no classification provided. Collection method: literature only. Allele origin: germline. Affected: yes. Not counted in ClinVar's aggregate classification.

Literature cited by the submitters: PubMed 7977368 (cited by Labcorp Genetics (formerly Invitae), Labcorp); PubMed 12815590 (cited by 4 submitters); PubMed 23246278 (cited by Labcorp Genetics (formerly Invitae), Labcorp and Natera, Inc.); PubMed 28302489 (cited by Labcorp Genetics (formerly Invitae), Labcorp); PubMed 8792870 (cited by Labcorp Genetics (formerly Invitae), Labcorp); PubMed 37485339 (cited by Natera, Inc.); PubMed 7557970 (cited by Natera, Inc. and Women's Health and Genetics/Laboratory Corporation of America, LabCorp); PubMed 2358466 (cited by OMIM); NCBI Bookshelf NBK1458 (cited by GeneReviews).

NM_054012.4(ASS1):c.910C>T (p.Arg304Trp)

Gene: ASS1 (argininosuccinate synthase 1; plus strand). Cytogenetic location: 9q34.11.
Variant type: single nucleotide variant.
Coding change: c.910C>T on transcript NM_054012.4 (MANE Select); coding-DNA position 910, C replaced by T.
Protein change: p.Arg304Trp; replaces arginine 304 with tryptophan.
Molecular consequence: missense variant.
Genome position (GRCh38, 1-based): chr9:130,489,404, C>T. VCF-style: chr9-130489404-C-T. GRCh37 (hg19) VCF-style: chr9-133364791-C-T.
Other names: c.910C>T (NM_054012.3); c.910C>T, p.Arg304Trp (NM_000050.4); short protein forms R304W.
Identifiers: ClinVar variation 6330 (VCV000006330.32), dbSNP rs121908642, ClinGen allele CA253835.